The following is an entry in ClinVar:

NM_174878.3(CLRN1):c.502dup (p.Ile168fs)

Gene: CLRN1 (clarin 1; minus strand). Cytogenetic location: 3q25.1.
Variant type: Duplication.
Coding change: c.502dup on transcript NM_174878.3 (MANE Select); coding-DNA position 502, one base duplicated (A; older notation c.502dupA).
Protein change: p.Ile168fs; shifts the reading frame from isoleucine 168.
Molecular consequence: frameshift variant. On other transcripts: 3 prime UTR variant (1), non-coding transcript variant (1).
Genome position (GRCh38, 1-based): chr3:150,928,133, T duplicated on the plus strand (A on the coding strand, the reverse complement: CLRN1 is on the minus strand); the first of 6 consecutive T bases (chr3:150,928,133-150,928,138); duplicating any one gives the same sequence. VCF-style (leftmost placement, unchanged base first): chr3-150928132-A-AT. GRCh37 (hg19) VCF-style: chr3-150645919-A-AT.
Other names: c.541dupA (NM_001195794.1); c.502dupA (NM_174878.3); c.502dup (NM_174878.2); c.541dup, p.Ile181fs (NM_001195794.1); c.*116dup (NM_001256819.2); c.274dup, p.Ile92fs (NM_052995.2); short protein forms I92fs, I168fs, I181fs.
Identifiers: ClinVar variation 188875 (VCV000188875.25), dbSNP rs746523071, ClinGen allele CA199085.

ClinVar aggregate classification (germline): Pathogenic/Likely pathogenic. Review status: criteria provided, multiple submitters, no conflicts (2 of 4 stars). 11 submissions from 11 submitters: Pathogenic (7); Likely pathogenic (2). 2 of the submissions do not count toward it. Last evaluated 2026-01-24.

Conditions:
Usher syndrome. Also called: Usher's syndrome; Usher Syndromes. Identifiers: Orphanet 886, MedGen CN469326, MeSH D052245, MONDO:0019501. Disease mechanism: loss of function.
CLRN1-related disorder. Also called: CLRN1-related condition.
Retinitis pigmentosa 61 (RP61). Identifiers: Orphanet 791, MedGen C3280041, MONDO:0013610, OMIM 614180.
Usher syndrome type 3A (USH3A). Also called: USHER SYNDROME, TYPE IIIA. Identifiers: MedGen C5779850, MONDO:0010170, OMIM 276902.
Retinal dystrophy. Also called: Inherited retinal dystrophy. Identifiers: Orphanet 71862, MedGen C0854723, MeSH D058499, MONDO:0019118, HP:0000556.
Usher syndrome type 3. Also called: Usher Syndrome, Type III. Identifiers: Orphanet 231183, MedGen C1568248, MONDO:0016485.

Submissions (11):

Labcorp Genetics (formerly Invitae), Labcorp
Classification: Pathogenic. Last evaluated: 2026-01-24. Review status: criteria provided, single submitter. Criteria: Invitae Variant Classification Sherloc (09022015). Collection method: clinical testing. Allele origin: germline.
Comment: This sequence change creates a premature translational stop signal (p.Ile168Asnfs*5) in the CLRN1 gene. While this is not anticipated to result in nonsense mediated decay, it is expected to disrupt the last 65 amino acid(s) of the CLRN1 protein. This variant is present in population databases (rs746523071, gnomAD 0.003%). This premature translational stop signal has been observed in individual(s) with Usher syndrome (PMID: 17893653). In at least one individual the data is consistent with being in trans (on the opposite chromosome) from a pathogenic variant. It has also been observed to segregate with disease in related individuals. ClinVar contains an entry for this variant (Variation ID: 188875). Algorithms developed to predict the effect of sequence changes on RNA splicing suggest that this variant may disrupt the consensus splice site. This variant disrupts a region of the CLRN1 protein in which other variant(s) (p.Arg207*) have been determined to be pathogenic (PMID: 22952768, 23304067, 26338283). This suggests that this is a clinically significant region of the protein, and that variants that disrupt it are likely to be disease-causing. For these reasons, this variant has been classified as Pathogenic.

PreventionGenetics, part of Exact Sciences
Classification: Pathogenic for CLRN1-related condition. Last evaluated: 2025-12-08. Review status: criteria provided, single submitter. Criteria: ACMG Guidelines, 2015. Collection method: clinical testing. Allele origin: germline.
Comment: The CLRN1 c.541dupA variant is predicted to result in a frameshift and premature protein termination (p.Ile181Asnfs*5). This variant has been reported in the compound heterozygous state in three related individuals with Usher syndrome (described as c.502dupA; Ebermann et al 2007. PubMed ID: 17893653). This variant is reported in 0.0029% of alleles in individuals of Latino descent in gnomAD. Frameshift variants in CLRN1 are expected to be pathogenic. This variant is interpreted as pathogenic.

Natera, Inc.
Classification: Pathogenic for Usher syndrome type 3. Last evaluated: 2025-01-30. Review status: criteria provided, single submitter. Criteria: Natera Variant Classification Schema (03/2026). Collection method: clinical testing. Allele origin: germline.
Comment: The c.502dupA variant in CLRN1 is a frameshift variant predicted to shift the reading frame beginning at codon 168 and leads to a stop codon 5 codons downstream. This variant is expected to result in nonsense mediated decay, truncation, or a dysfunctional protein product. This variant is rare in the general population with a frequency below the threshold expected for the associated phenotype(s). This variant has been observed in one or more individuals affected with the associated recessive disease, as either homozygous or compound heterozygous with a second variant (PMID: 17893653). Additionally, this variant has been observed to segregate in affected family members (PMID: 17893653). Given the available evidence, this variant is classified as Pathogenic.

Fulgent Genetics
Classification: Likely pathogenic for Usher syndrome type 3A; Retinitis pigmentosa 61. Last evaluated: 2024-06-11. Review status: criteria provided, single submitter. Criteria: ACMG Guidelines, 2015. Collection method: clinical testing. Allele origin: germline.

Baylor Genetics
Classification: Pathogenic for Retinitis pigmentosa 61. Last evaluated: 2023-05-05. Review status: criteria provided, single submitter. Criteria: ACMG Guidelines, 2015. Collection method: clinical testing. Allele origin: unknown.

Women's Health and Genetics/Laboratory Corporation of America, LabCorp
Classification: Pathogenic for Usher syndrome. Last evaluated: 2022-08-29. Review status: criteria provided, single submitter. Criteria: LabCorp Variant Classification Summary - May 2015. Collection method: clinical testing. Allele origin: germline.
Comment: Variant summary: CLRN1 c.502dupA (p.Ile168AsnfsX5) results in a premature termination codon, predicted to cause a truncation of the encoded protein or absence of the protein due to nonsense mediated decay, which are commonly known mechanisms for disease. Truncations downstream of this position have been classified as pathogenic by our laboratory. The variant allele was found at a frequency of 1.2e-05 in 250134 control chromosomes (gnomAD). c.502dupA has been reported in the literature to segregate with disease in multiple individuals from one family affected with Usher Syndrome (Ebermann_2007). These data indicate that the variant is likely to be associated with disease. Three ClinVar submitters (evaluation after 2014) cite the variant as pathogenic. Based on the evidence outlined above, the variant was classified as pathogenic.

Genetics and Molecular Pathology, SA Pathology
Classification: Likely pathogenic for Retinitis pigmentosa 61. Last evaluated: 2022-01-12. Review status: criteria provided, single submitter. Criteria: ACMG Guidelines, 2015. Collection method: clinical testing. Allele origin: germline. Affected: yes.

Blueprint Genetics
Classification: Pathogenic for CLRN1-related disorders. Last evaluated: 2018-11-05. Review status: criteria provided, single submitter. Criteria: ACMG Guidelines, 2015. Collection method: clinical testing. Allele origin: germline. Affected: yes. Observed: 2 variant alleles.

Juno Genomics, Hangzhou Juno Genomics, Inc
Classification: Pathogenic for Retinitis pigmentosa 61; Usher syndrome type 3A. Review status: criteria provided, single submitter. Criteria: ACMG Guidelines, 2015. Collection method: clinical testing. Allele origin: germline.
Comment: Absent from controls (or at extremely low frequency if recessive) in Genome Aggregation Database.;Null variant in a gene where loss of function (LOF) is a known mechanism of disease.;Co-segregation with disease in multiple affected family members.;For recessive disorders, detected in trans with a pathogenic variant.;Patient's phenotype or family history is highly specific for a disease with a single genetic etiology.

Institute of Human Genetics, Univ. Regensburg, Univ. Regensburg
Classification: Likely pathogenic for Retinal dystrophy. Last evaluated: 2022-01-01. Review status: no assertion criteria provided. Criteria: ACMG Guidelines, 2015. Collection method: clinical testing. Allele origin: germline. Affected: yes. Not counted in ClinVar's aggregate classification.

Counsyl
Classification: Likely pathogenic for Usher syndrome, type 3. Last evaluated: 2014-07-10. Review status: no assertion criteria provided. Collection method: literature only. Allele origin: unknown. Inheritance: Autosomal recessive inheritance. Not counted in ClinVar's aggregate classification.

Literature cited by the submitters: PubMed 17893653 (cited by 4 submitters); PubMed 22952768 (cited by Labcorp Genetics (formerly Invitae), Labcorp); PubMed 23304067 (cited by Labcorp Genetics (formerly Invitae), Labcorp); PubMed 26338283 (cited by Labcorp Genetics (formerly Invitae), Labcorp).